The following is an entry in ClinVar:

NM_031407.7(HUWE1):c.5503C>T (p.Arg1835Cys)

Gene: HUWE1 (HECT, UBA and WWE domain containing E3 ubiquitin protein ligase 1; minus strand). Cytogenetic location: Xp11.22.
Variant type: single nucleotide variant.
Coding change: c.5503C>T on transcript NM_031407.7 (MANE Select); coding-DNA position 5503, C replaced by T.
Protein change: p.Arg1835Cys; replaces arginine 1835 with cysteine.
Molecular consequence: missense variant.
Genome position (GRCh38, 1-based): chrX:53,583,575, G>A on the plus strand (C>T on the coding strand, the complement: HUWE1 is on the minus strand). VCF-style: chrX-53583575-G-A. GRCh37 (hg19) VCF-style: chrX-53610535-G-A.
Other names: short protein forms R1835C.
Identifiers: ClinVar variation 3902901 (VCV003902901.2).

ClinVar aggregate classification (germline): Uncertain significance (1 of 4 stars; one submission).

gnomAD v4.1: 5 of 1,199,548 alleles (0.00042%); highest among the groups gnomAD compares: Admixed American, 0.0065%; no homozygotes.

Submission:

GeneDx
Classification: Uncertain significance. Last evaluated: 2026-07-28. Review status: criteria provided, single submitter. Criteria: GeneDx Variant Classification Process June 2021. Collection method: clinical testing. Allele origin: germline.
Comment: In silico analysis supports that this missense variant has a deleterious effect on protein structure/function; Has not been previously published as pathogenic or benign to our knowledge